The following is an entry in ClinVar:

NM_001330239.4(TJP1):c.1631G>A (p.Arg544His)

Gene: TJP1 (tight junction protein 1; minus strand). Cytogenetic location: 15q13.1.
Variant type: single nucleotide variant.
Coding change: c.1631G>A on transcript NM_001330239.4 (MANE Select); coding-DNA position 1631, G replaced by A.
Protein change: p.Arg544His; replaces arginine 544 with histidine.
Molecular consequence: missense variant.
Genome position (GRCh38, 1-based): chr15:29,733,199, C>T on the plus strand (G>A on the coding strand, the complement: TJP1 is on the minus strand). VCF-style: chr15-29733199-C-T. GRCh37 (hg19) VCF-style: chr15-30025403-C-T.
Other names: c.1910G>A, p.Arg637His (NM_001301025.3, NM_001355012.2); c.1643G>A, p.Arg548His (NM_001301026.2, NM_001355013.1); c.1631G>A, p.Arg544His (NM_001355014.2, NM_001355015.2, NM_003257.5 and 1 more transcripts); c.1910G>A (NM_001355012.1); short protein forms R637H, R544H, R548H.
Identifiers: ClinVar variation 2269938 (VCV002269938.4), dbSNP rs200912609, ClinGen allele CA7447195.

ClinVar aggregate classification (germline): Uncertain significance. Review status: criteria provided, single submitter (1 of 4 stars). 2 submissions from 2 submitters: Uncertain significance (1). 1 of the submissions does not count toward it. Last evaluated 2021-10-06.

Conditions:
TJP1-related disorder. Also called: TJP1-related condition.

Allele frequency attached by ClinVar (database versions not stated): 1000 Genomes Project 0.00040; ESP Exome Variant Server 0.00042; 1000 Genomes Project 30x 0.00062; TOPMed 0.00062; ExAC 0.00076; gnomAD 0.00097; gnomAD exomes 0.00107.
gnomAD v4.1: 1,715 of 1,614,046 alleles (0.11%); highest among the groups gnomAD compares: Non-Finnish European, 0.13%; 3 homozygotes.

Submissions (2):

Ambry Genetics
Classification: Uncertain significance. Last evaluated: 2021-10-06. Review status: criteria provided, single submitter. Criteria: Ambry Variant Classification Scheme 2023. Collection method: clinical testing. Allele origin: germline.

PreventionGenetics, part of Exact Sciences
Classification: Likely benign for TJP1-related condition. Last evaluated: 2022-02-17. Review status: no assertion criteria provided. Collection method: clinical testing. Allele origin: germline. Not counted in ClinVar's aggregate classification.
Comment: This variant is classified as likely benign based on ACMG/AMP sequence variant interpretation guidelines (Richards et al. 2015 PMID: 25741868, with internal and published modifications).